The following is an entry in ClinVar:

NM_020361.5(CPA6):c.619C>G (p.Gln207Glu)

Gene: CPA6 (carboxypeptidase A6; minus strand). Cytogenetic location: 8q13.2.
Variant type: single nucleotide variant.
Coding change: c.619C>G on transcript NM_020361.5 (MANE Select); coding-DNA position 619, C replaced by G.
Protein change: p.Gln207Glu; replaces glutamine 207 with glutamic acid.
Molecular consequence: missense variant.
Genome position (GRCh38, 1-based): chr8:67,506,804, G>C on the plus strand (C>G on the coding strand, the complement: CPA6 is on the minus strand). VCF-style: chr8-67506804-G-C. GRCh37 (hg19) VCF-style: chr8-68419039-G-C.
Other names: CPA6, GLN207GLU (rs35993949); short protein forms Q207E.
Identifiers: ClinVar variation 393467 (VCV000393467.34), dbSNP rs35993949, ClinGen allele CA4772920.

ClinVar aggregate classification (germline): Conflicting classifications of pathogenicity. Review status: criteria provided, conflicting classifications (1 of 4 stars). 17 submissions from 17 submitters: Uncertain significance (11); Likely benign (3). 3 of the submissions do not count toward it. Last evaluated 2026-08-21.

Conditions:
CPA6-related disorder. Also called: CPA6-related condition.
Self-limited epilepsy with centrotemporal spikes. Also called: Childhood epilepsy with centrotemporal spikes; Rolandic epilepsy. Identifiers: Orphanet 1945, MedGen C0376532, MONDO:0007295.
Familial temporal lobe epilepsy 5. Identifiers: MedGen C3280730, MONDO:0013741, OMIM 614417.
Febrile seizures, familial, 11 (FEB11). Also called: CONVULSIONS, FAMILIAL FEBRILE, 11. Identifiers: MedGen C3280734, MONDO:0024566, OMIM 614418.
Global developmental delay (DD). Also called: Cognitive delay. Identifiers: MedGen C0557874, HP:0001263. Disease mechanism: loss of function.
Epilepsy. Also called: Seizure disorder. Identifiers: MedGen C0014544, MeSH D004827, MONDO:0005027.
Confusion. Identifiers: MedGen C0009676, HP:0001289.
Palpitations. Identifiers: MedGen C0030252, HP:0001962.
Seizure. Also called: Seizures. Identifiers: MedGen C0036572, HP:0001250.
Focal-onset seizure. Also called: Focal seizures. Identifiers: MedGen C0751495, HP:0007359.
Periventricular heterotopia. Identifiers: MedGen C5399973, HP:0007165.
Abnormal emotional state. Also called: Abnormal emotion. Identifiers: MedGen C4020949, HP:0100851.
Irregular menstruation. Also called: irregular menstrual cycle; Menstrual irregularities. Identifiers: MedGen C0156404, HP:0000858.

Allele frequency attached by ClinVar (database versions not stated): 1000 Genomes Project 30x 0.00078; 1000 Genomes Project 0.00080; gnomAD 0.00121; ESP Exome Variant Server 0.00123; TOPMed 0.00124; gnomAD exomes 0.00146 and 0.00207; ExAC 0.00148.
gnomAD v4.1: 3,187 of 1,611,506 alleles (0.2%); highest among the groups gnomAD compares: Middle Eastern, 0.25%; 4 homozygotes.

Submissions (19):

PreventionGenetics, part of Exact Sciences
Classification: Uncertain significance for CPA6-related condition. Last evaluated: 2026-08-21. Review status: criteria provided, single submitter. Criteria: ACMG Guidelines, 2015. Collection method: clinical testing. Allele origin: germline.
Comment: The CPA6 c.619C>G variant is predicted to result in the amino acid substitution p.Gln207Glu. This variant has been reported in the heterozygous state in at least two probands with epilepsy. In one individual with temporal lobe epilepsy, p.Gln207Glu was detected along with CPA6 p.Gly267Arg but phase was not established (Subject ET 158, Sapio et al 2012. PubMed ID: 23105115). In vitro functional studies in an overexpression system have indicated that the p.Gln207Glu missense variant causes a strong reduction of protein level and carboxypeptidase activity, leading the authors to speculate that it may be pathogenic for recessive disease (Sapio et al. 2012. PubMed ID: 23105115). This variant is reported in 0.24% of alleles in individuals of European (Non-Finnish) descent in gnomAD, which is more common than expected for a primary cause of disease. It is documented in ClinVar with conflicting interpretations including likely benign and uncertain (Variation ID: 393467). At this time, the clinical significance of this variant is uncertain due to the absence of conclusive functional and genetic evidence.

Labcorp Genetics (formerly Invitae), Labcorp
Classification: Likely benign for Febrile seizures, familial, 11. Last evaluated: 2025-09-08. Review status: criteria provided, single submitter. Criteria: Invitae Variant Classification Sherloc (09022015). Collection method: clinical testing. Allele origin: germline.

Women's Health and Genetics/Laboratory Corporation of America, LabCorp
Classification: Uncertain significance. Last evaluated: 2024-08-15. Review status: criteria provided, single submitter. Criteria: LabCorp Variant Classification Summary - May 2015. Collection method: clinical testing. Allele origin: germline.
Comment: Variant summary: CPA6 c.619C>G (p.Gln207Glu) results in a conservative amino acid change located in the Peptidase M14, carboxypeptidase A domain (IPR000834) of the encoded protein sequence. Three of five in-silico tools predict a damaging effect of the variant on protein function. The variant allele was found at a frequency of 0.002 in 1611506 control chromosomes in the gnomAD database, including 4 homozygotes, suggesting the variant could be benign. c.619C>G has been reported in the literature in individuals of heterozygous or unspecified genotype affected with neurodevelopmental disorders including focal or progressive myoclonic epilepsy, early onset epileptic encephalopathy, intellectual disability, cerebral palsy, or other unspecified neurodevelopmental disorder all without evidence of causality, often found in cis or unknown phase with c.799G>A, p.G267R (e.g. Sapio_2012, Muona_2014, Allen_2015, Moortgat_2018, vanEyk_2021, Sanchis-Juan_2023, Coppola_2023). These reports do not provide unequivocal conclusions about association of the variant with CPA6-Related Disorders. At least one publication reports experimental evidence evaluating an impact on protein function showing severely reduced CPA6 activity and protein expression in vitro (e.g. Sapio_2012). The following publications have been ascertained in the context of this evaluation (PMID: 26648591, 38088023, 29180823, 25401298, 37541188, 23105115, 34531397). ClinVar contains an entry for this variant (Variation ID: 393467). Based on the evidence outlined above, the variant was classified as VUS-possibly benign.

Athena Diagnostics
Classification: Likely benign. Last evaluated: 2024-01-03. Review status: criteria provided, single submitter. Criteria: Athena Diagnostics Criteria. Collection method: clinical testing. Allele origin: unknown.

Revvity Omics, Revvity
Classification: Uncertain significance. Last evaluated: 2024-01-03. Review status: criteria provided, single submitter. Criteria: ACMG Guidelines, 2015. Collection method: clinical testing. Allele origin: germline.

Department of Pathology and Laboratory Medicine, Sinai Health System
Classification: Uncertain significance for epilepsy. Last evaluated: 2022-11-10. Review status: criteria provided, single submitter. Criteria: ACMG Guidelines, 2015. Collection method: research. Allele origin: germline.

Institute for Clinical Genetics, University Hospital TU Dresden, University Hospital TU Dresden
Classification: Uncertain significance. Last evaluated: 2021-11-03. Review status: criteria provided, single submitter. Criteria: ACMG Guidelines, 2015. Collection method: clinical testing. Allele origin: germline.

New York Genome Center
Classification: Uncertain significance for Familial temporal lobe epilepsy 5; Febrile seizures, familial, 11. Last evaluated: 2021-06-21. Review status: criteria provided, single submitter. Criteria: NYGC Assertion Criteria 2020. Collection method: clinical testing. Allele origin: inherited. Observed: 1 variant allele. Study: CSER-NYCKidSeq.
Comment: The inherited missense variant c.619C>G (p.Gln207Glu) in the CPA6 gene has been reported in the literature in individuals affected with epilepsy [PMIDs: 21922598, 23105115, 26648591]. The variant has 0.001222 allele frequency in the gnomAD(v3) database (186 out of 152174 heterozygous alleles, no homozygotes). It affects evolutionarily conserved residues and is predicted deleterious by multiple in silico prediction tools. In vitro functional expression studies in cellular assays suggest that the variant reduces the CPA6 enzymatic activity compared to wild type protein [PMIDs: 21922598, 23105115]. However, additional studies are needed to determine the clinical significance of this variant. Based on the available evidence, the inherited heterozygous missense variants [c.619C>G(p.Gln207Glu)identified in the CPA6 gene is reported as a variant of uncertain significance.

GeneDx
Classification: Uncertain significance. Last evaluated: 2021-01-04. Review status: criteria provided, single submitter. Criteria: GeneDx Variant Classification Process June 2021. Collection method: clinical testing. Allele origin: germline. Affected: yes.
Comment: Reported in cis with G267R in an individual with early onset epileptic encephalopathy, inherited from the individual's mother who was reported to have unexplained epilepsy but not epileptic encephalopathy (Allen et al., 2016) Reported in an individual with temporal lobe epilepsy who was also heterozygous for the G267R variant, but familial segregation information was not included (Sapio et al., 2012) In silico analysis supports that this missense variant has a deleterious effect on protein structure/function This variant is associated with the following publications: (PMID: 32581362, 29358611, 23105115, 26648591)

Eurofins Ntd Llc (ga)
Classification: Uncertain significance. Last evaluated: 2018-05-25. Review status: criteria provided, single submitter. Criteria: EGL ClinVar v180209 classification definitions. Collection method: clinical testing. Allele origin: germline. Observed: 1 variant allele, 1 heterozygote.

Baylor Genetics
Classification: Uncertain significance for Familial temporal lobe epilepsy 5. Last evaluated: 2018-02-01. Review status: criteria provided, single submitter. Criteria: ACMG Guidelines, 2015. Collection method: clinical testing. Allele origin: maternal. Affected: yes.
Comment: This variant was determined to be of uncertain significance according to ACMG Guidelines, 2015 [PMID:25741868].

Illumina Laboratory Services, Illumina
Classification: Uncertain significance for Familial temporal lobe epilepsy 5. Last evaluated: 2017-04-27. Review status: criteria provided, single submitter. Criteria: ICSL Variant Classification Criteria 13 December 2019. Collection method: clinical testing. Allele origin: germline.
Comment: This variant was observed as part of a predisposition screen in an ostensibly healthy population. A literature search was performed for the gene, cDNA change, and amino acid change (where applicable). Publications were found based on this search. However, the evidence from the literature, in combination with allele frequency data from public databases where available, was not sufficient to rule this variant in or out of causing disease. Therefore, this variant is classified as a variant of unknown significance.

Claritas Genomics
Classification: Uncertain significance. Last evaluated: 2017-02-21. Review status: criteria provided, single submitter. Criteria: ACMG Guidelines, 2015. Collection method: clinical testing. Allele origin: germline. Affected: yes.

Molecular Genetics Lab, CHRU Brest
Classification: Likely benign for Febrile seizures, familial, 11. Review status: criteria provided, single submitter. Criteria: ACMG Guidelines, 2015. Collection method: clinical testing. Allele origin: maternal. Affected: yes.

Bioinformatics Core, Luxembourg Center for Systems Biomedicine
Classification: Pathogenic for Self-limited epilepsy with centrotemporal spikes. Last evaluated: 2017-01-01. Review status: no assertion criteria provided. Collection method: case-control. Allele origin: germline. Affected: yes. Study: EUROEPINOMICS COGIE. Not counted in ClinVar's aggregate classification.

OMIM
Classification: Pathogenic for EPILEPSY, FAMILIAL TEMPORAL LOBE, 5. Last evaluated: 2012-12-14. Review status: no assertion criteria provided. Collection method: literature only. Allele origin: germline. Not counted in ClinVar's aggregate classification.

Dr. Peter K. Rogan Lab, Western University
No classification provided (evidence only). Condition: Lung cancer. Review status: no classification provided. Collection method: in vitro. Allele origin: not applicable. Functional consequence: retained intron. Not counted in ClinVar's aggregate classification.

Dr. Peter K. Rogan Lab, Western University
No classification provided (evidence only). Condition: Adrenocortical carcinoma, hereditary. Review status: no classification provided. Collection method: in vitro. Allele origin: not applicable. Functional consequence: retained intron. Not counted in ClinVar's aggregate classification.

NIHR Bioresource Rare Diseases, University of Cambridge
Classification: Likely pathogenic for Irregular menstruation; Seizure; Confusion; Palpitations; Focal-onset seizure; Abnormal emotional state; Periventricular heterotopia. Review status: no assertion criteria provided. Collection method: research. Allele origin: unknown. Affected: yes. Observed: 1 variant allele. Not counted in ClinVar's aggregate classification.

Literature cited by the submitters: PubMed 25401298 (cited by Women's Health and Genetics/Laboratory Corporation of America, LabCorp); PubMed 29180823 (cited by Women's Health and Genetics/Laboratory Corporation of America, LabCorp); PubMed 34531397 (cited by Women's Health and Genetics/Laboratory Corporation of America, LabCorp and Athena Diagnostics); PubMed 37541188 (cited by Women's Health and Genetics/Laboratory Corporation of America, LabCorp); PubMed 26648591 (cited by Women's Health and Genetics/Laboratory Corporation of America, LabCorp and Athena Diagnostics); PubMed 38088023 (cited by Women's Health and Genetics/Laboratory Corporation of America, LabCorp); PubMed 23105115 (cited by 4 submitters); PubMed 32581362 (cited by Athena Diagnostics and NIHR Bioresource Rare Diseases, University of Cambridge); PubMed 29358611 (cited by Bioinformatics Core, Luxembourg Center for Systems Biomedicine).